The following is an entry in ClinVar:

NM_003070.5(SMARCA2):c.1650C>A (p.Ala550=)

Gene: SMARCA2 (SWI/SNF related BAF chromatin remodeling complex subunit ATPase 2; plus strand). Cytogenetic location: 9p24.3.
Variant type: single nucleotide variant.
Coding change: c.1650C>A on transcript NM_003070.5 (MANE Select); coding-DNA position 1650, C replaced by A.
Protein change: p.Ala550=; no amino-acid change (alanine 550 retained).
Molecular consequence: synonymous variant.
Genome position (GRCh38, 1-based): chr9:2,060,944, C>A. VCF-style: chr9-2060944-C-A. GRCh37 (hg19) VCF-style: chr9-2060944-C-A.
Other names: c.1650C>A, p.Ala550= (NM_001289396.2, NM_001289397.2, NM_139045.4).
Identifiers: ClinVar variation 4875097 (VCV004875097.2).

ClinVar aggregate classification (germline): Likely benign (1 of 4 stars; one submission).

Submission:

CeGaT Center for Human Genetics Tuebingen
Classification: Likely benign. Last evaluated: 2026-06-01. Review status: criteria provided, single submitter. Criteria: CeGaT Center For Human Genetics Tuebingen Variant Classification Criteria Version 2. Collection method: clinical testing. Allele origin: germline. Affected: yes. Observed: 1 variant allele.
Comment: SMARCA2: PM2:Supporting, BP4, BP7